The following is an entry in ClinVar:

ClinVar aggregate classification (germline): Uncertain significance (1 of 4 stars; one submission).

Allele frequency attached by ClinVar (database versions not stated): gnomAD 0.00001; gnomAD exomes 0.00001; TOPMed 0.00003; ExAC 0.00004; 1000 Genomes Project 30x 0.00016; 1000 Genomes Project 0.00020.
gnomAD v4.1: 23 of 1,613,852 alleles (0.0014%); highest among the groups gnomAD compares: East Asian, 0.04%; no homozygotes.

Submission:

Labcorp Genetics (formerly Invitae), Labcorp
Classification: Uncertain significance. Last evaluated: 2022-08-22. Review status: criteria provided, single submitter. Criteria: Invitae Variant Classification Sherloc (09022015). Collection method: clinical testing. Allele origin: germline.
Comment: This sequence change replaces tyrosine, which is neutral and polar, with histidine, which is basic and polar, at codon 463 of the VPS33A protein (p.Tyr463His). This variant is present in population databases (rs574910295, gnomAD 0.04%). This variant has not been reported in the literature in individuals affected with VPS33A-related conditions. Algorithms developed to predict the effect of missense changes on protein structure and function are either unavailable or do not agree on the potential impact of this missense change (SIFT: "Tolerated"; PolyPhen-2: "Probably Damaging"; Align-GVGD: "Class C0"). In summary, the available evidence is currently insufficient to determine the role of this variant in disease. Therefore, it has been classified as a Variant of Uncertain Significance.

NM_022916.6(VPS33A):c.1387T>C (p.Tyr463His)

Gene: VPS33A (VPS33A core subunit of CORVET and HOPS complexes; minus strand). Cytogenetic location: 12q24.31.
Variant type: single nucleotide variant.
Coding change: c.1387T>C on transcript NM_022916.6 (MANE Select); coding-DNA position 1387, T replaced by C.
Protein change: p.Tyr463His; replaces tyrosine 463 with histidine.
Molecular consequence: missense variant.
Genome position (GRCh38, 1-based): chr12:122,235,839, A>G on the plus strand (T>C on the coding strand, the complement: VPS33A is on the minus strand). VCF-style: chr12-122235839-A-G. GRCh37 (hg19) VCF-style: chr12-122720386-A-G.
Other names: c.1354T>C, p.Tyr452His (NM_001351018.2); c.1339T>C, p.Tyr447His (NM_001351019.2); c.1066T>C, p.Tyr356His (NM_001351020.2); short protein forms Y447H, Y452H, Y356H, Y463H.
Identifiers: ClinVar variation 2185810 (VCV002185810.1), dbSNP rs574910295, ClinGen allele CA6844335.